The following is an entry in ClinVar:

NM_017763.6(RNF43):c.1764G>C (p.Gln588His)

Gene: RNF43 (ring finger protein 43; minus strand). Cytogenetic location: 17q22.
Variant type: single nucleotide variant.
Coding change: c.1764G>C on transcript NM_017763.6 (MANE Select); coding-DNA position 1764, G replaced by C.
Protein change: p.Gln588His; replaces glutamine 588 with histidine.
Molecular consequence: missense variant.
Genome position (GRCh38, 1-based): chr17:58,358,012, C>G on the plus strand (G>C on the coding strand, the complement: RNF43 is on the minus strand). VCF-style: chr17-58358012-C-G. GRCh37 (hg19) VCF-style: chr17-56435373-C-G.
Other names: c.1764G>C, p.Gln588His (NM_001305544.3, NM_001438820.1, NM_001438821.1 and 1 more transcripts); c.1383G>C, p.Gln461His (NM_001305545.2, NM_001437987.1); short protein forms Q461H, Q588H.
Identifiers: ClinVar variation 4863438 (VCV004863438.1).

ClinVar aggregate classification (germline): Uncertain significance (1 of 4 stars; one submission).

Submission:

Ambry Genetics
Classification: Uncertain significance. Last evaluated: 2026-06-12. Review status: criteria provided, single submitter. Criteria: Ambry Variant Classification Scheme 2023. Collection method: clinical testing. Allele origin: germline.
Comment: The p.Q588H variant (also known as c.1764G>C), located in coding exon 8 of the RNF43 gene, results from a G to C substitution at nucleotide position 1764. The glutamine at codon 588 is replaced by histidine, an amino acid with highly similar properties. This amino acid position is conserved. In addition, this alteration is predicted to be tolerated by in silico analysis. Based on the available evidence, the clinical significance of this variant remains unclear.